The following is an entry in ClinVar:

NM_007294.4(BRCA1):c.4620A>G (p.Glu1540=)

Gene: BRCA1 (BRCA1 DNA repair associated; minus strand). Cytogenetic location: 17q21.31.
Variant type: single nucleotide variant.
Coding change: c.4620A>G on transcript NM_007294.4 (MANE Select); coding-DNA position 4620, A replaced by G.
Protein change: p.Glu1540=; no amino-acid change (glutamic acid 1540 retained).
Molecular consequence: synonymous variant. On other transcripts: intron variant (3).
Genome position (GRCh38, 1-based): chr17:43,074,386, T>C on the plus strand (A>G on the coding strand, the complement: BRCA1 is on the minus strand). VCF-style: chr17-43074386-T-C. GRCh37 (hg19) VCF-style: chr17-41226403-T-C.
Other names: c.4407A>G, p.Glu1469= (NM_001407571.1, NM_001407894.1, NM_001407895.1 and 12 more transcripts); c.4686A>G, p.Glu1562= (NM_001407581.1, NM_001407582.1); c.4683A>G, p.Glu1561= (NM_001407583.1, NM_001407585.1, NM_001407587.1 and 1 more transcripts); c.4680A>G, p.Glu1560= (NM_001407590.1, NM_001407591.1); c.4620A>G, p.Glu1540= (NM_001407593.1, NM_001407594.1, NM_001407596.1 and 8 more transcripts); c.4617A>G, p.Glu1539= (NM_001407610.1, NM_001407611.1, NM_001407612.1 and 17 more transcripts); c.4614A>G, p.Glu1538= (NM_001407627.1, NM_001407628.1, NM_001407629.1 and 14 more transcripts); c.4611A>G, p.Glu1537= (NM_001407644.1, NM_001407645.1); and 71 more.
Identifiers: ClinVar variation 481424 (VCV000481424.18), dbSNP rs769566412, ClinGen allele CA052578.

ClinVar aggregate classification (germline): Likely benign. Review status: criteria provided, multiple submitters, no conflicts (2 of 4 stars). 5 submissions from 5 submitters: Likely benign (5). Last evaluated 2025-07-30.

Conditions:
Hereditary breast ovarian cancer syndrome. Also called: Breast and ovarian cancer; Hereditary breast and/or ovarian cancer syndrome; BRCA1- and BRCA2-Associated Hereditary Breast and Ovarian Cancer; Hereditary breast and ovarian cancer syndrome; Hereditary breast and ovarian cancer syndrome (HBOC); Hereditary breast and ovarian cancer. Identifiers: Orphanet 145, MedGen C0677776, MeSH D061325, MONDO:0003582. Disease mechanism: loss of function.
Breast-ovarian cancer, familial, susceptibility to, 1 (BROVCA1). Also called: BRCA1 Hereditary Breast and Ovarian Cancer; OVARIAN CANCER, SUSCEPTIBILITY TO. Identifiers: Orphanet 145, MedGen C2676676, MONDO:0011450, OMIM 604370. Disease mechanism: loss of function.
Hereditary cancer-predisposing syndrome. Also called: Tumor predisposition; Hereditary Cancer Syndrome; Hereditary neoplastic syndrome; Neoplastic Syndromes, Hereditary. Identifiers: Orphanet 140162, MedGen C0027672, MeSH D009386, MONDO:0015356.

Allele frequency attached by ClinVar (database versions not stated): gnomAD exomes below 0.00001; ExAC 0.00001.
gnomAD v4.1: 1 of 1,614,156 alleles (0.000062%); highest among the groups gnomAD compares: Non-Finnish European, 0.000085%; no homozygotes.

Submissions (5):

Labcorp Genetics (formerly Invitae), Labcorp
Classification: Likely benign for Hereditary breast ovarian cancer syndrome. Last evaluated: 2025-07-30. Review status: criteria provided, single submitter. Criteria: Invitae Variant Classification Sherloc (09022015). Collection method: clinical testing. Allele origin: germline.

Women's Health and Genetics/Laboratory Corporation of America, LabCorp
Classification: Likely benign. Last evaluated: 2025-05-27. Review status: criteria provided, single submitter. Criteria: LabCorp Variant Classification Summary - May 2015. Collection method: clinical testing. Allele origin: germline.

All of Us Research Program, National Institutes of Health
Classification: Likely benign for Breast-ovarian cancer, familial, susceptibility to, 1. Last evaluated: 2023-05-31. Review status: criteria provided, single submitter. Criteria: ACMG Guidelines, 2015. Collection method: clinical testing. Allele origin: germline. Inheritance: Autosomal dominant inheritance. Observed: 1 variant allele, 1 heterozygote.
Comment: This study involves interpretation of variants in research participants for the purpose of population health screening. Participant phenotype was not available at the time of variant classification. Additional details can be found in publication PMID: 35346344, PMCID: PMC8962531

Color Diagnostics, LLC DBA Color Health
Classification: Likely benign for Hereditary cancer-predisposing syndrome. Last evaluated: 2019-06-19. Review status: criteria provided, single submitter. Criteria: ACMG Guidelines, 2015. Collection method: clinical testing. Allele origin: germline.

Ambry Genetics
Classification: Likely benign for Hereditary cancer-predisposing syndrome. Last evaluated: 2016-03-29. Review status: criteria provided, single submitter. Criteria: Ambry Variant Classification Scheme 2023. Collection method: clinical testing. Allele origin: germline.